The following is an entry in ClinVar:

NM_181552.4(CUX1):c.2140_2150delinsGG (p.Arg714_Met717delinsGly)

Gene: CUX1 (cut like homeobox 1; plus strand). Cytogenetic location: 7q22.1.
Variant type: Indel.
Coding change: c.2140_2150delinsGG on transcript NM_181552.4 (MANE Select); coding-DNA positions 2140 to 2150, CGCCGGGAGAT replaced by GG.
Protein change: p.Arg714_Met717delinsGly.
Molecular consequence: inframe indel. On other transcripts: intron variant (5).
Genome position (GRCh38, 1-based): chr7:102,201,437-102,201,447, CGCCGGGAGAT replaced by GG. VCF-style: chr7-102201437-CGCCGGGAGAT-GG. GRCh37 (hg19) VCF-style: chr7-101844717-CGCCGGGAGAT-GG.
Other names: c.2173_2183delinsGG, p.Arg725_Met728delinsGly (NM_001202543.2); c.1255+5834_1255+5844delinsGG (NM_001913.5); c.1249+5834_1249+5844delinsGG (NM_181500.4); c.1117+5834_1117+5844delinsGG (NM_001202545.3); c.1207+5834_1207+5844delinsGG (NM_001202544.3); c.1138+5834_1138+5844delinsGG (NM_001202546.3).
Identifiers: ClinVar variation 4236222 (VCV004236222.1).

ClinVar aggregate classification (germline): Uncertain significance (1 of 4 stars; one submission).

Conditions:
Inborn genetic diseases. Identifiers: MedGen C0950123, MeSH D030342.

Submission:

Ambry Genetics
Classification: Uncertain significance for Inborn genetic diseases. Last evaluated: 2025-08-08. Review status: criteria provided, single submitter. Criteria: Ambry Variant Classification Scheme 2023. Collection method: clinical testing. Allele origin: germline.
Comment: The c.2173_2183delinsGG (p.R725_M728delinsG) alteration, located in coding exon 18 of the CUX1 gene, results from an in-frame deletion of 11 and insertion of 2 nucleotides at positions 2173 to 2183. This results in the deletion of 4 residues between codons 725 and 728 and the insertion of a glycine (G) residue at codon 725. This variant was not reported in population-based cohorts in the Genome Aggregation Database (gnomAD). This amino acid position is highly conserved in available vertebrate species. This alteration is predicted to be deleterious by in silico analysis (Choi, 2012). Based on insufficient or conflicting evidence, the clinical significance of this alteration remains unclear.